The following is an entry in ClinVar:

ClinVar aggregate classification (germline): Pathogenic (1 of 4 stars; one submission).

Submission:

CeGaT Center for Human Genetics Tuebingen
Classification: Pathogenic. Last evaluated: 2024-08-01. Review status: criteria provided, single submitter. Criteria: CeGaT Center For Human Genetics Tuebingen Variant Classification Criteria Version 2. Collection method: clinical testing. Allele origin: germline. Affected: yes. Observed: 1 variant allele.
Comment: DNMT3A: PVS1, PM2

NM_022552.5(DNMT3A):c.2048_2053delinsC (p.Tyr683fs)

Gene: DNMT3A (DNA methyltransferase 3 alpha; minus strand). Cytogenetic location: 2p23.3.
Variant type: Indel.
Coding change: c.2048_2053delinsC on transcript NM_022552.5 (MANE Select); coding-DNA positions 2048 to 2053, ACGTCG replaced by C.
Protein change: p.Tyr683fs; shifts the reading frame from tyrosine 683.
Molecular consequence: frameshift variant. On other transcripts: non-coding transcript variant (1).
Genome position (GRCh38, 1-based): chr2:25,241,591-25,241,596, CGACGT replaced by G on the plus strand (ACGTCG replaced by C on the coding strand, the reverse complement: DNMT3A is on the minus strand). VCF-style: chr2-25241591-CGACGT-G. GRCh37 (hg19) VCF-style: chr2-25464460-CGACGT-G.
Other names: c.1592_1597delinsC, p.Tyr531fs (NM_001320893.1); c.1379_1384delinsC, p.Tyr460fs (NM_001375819.1); c.1481_1486delinsC, p.Tyr494fs (NM_153759.3); c.2048_2053delinsC, p.Tyr683fs (NM_175629.2); short protein forms Y460fs, Y494fs, Y531fs, Y683fs.
Identifiers: ClinVar variation 3342229 (VCV003342229.16).